The following is an entry in ClinVar:

ClinVar aggregate classification (germline): Conflicting classifications of pathogenicity. Review status: criteria provided, conflicting classifications (1 of 4 stars). 4 submissions from 4 submitters: Uncertain significance (2); Likely benign (1). 1 of the submissions does not count toward it. Last evaluated 2025-12-03.

Conditions:
CR2-related disorder. Also called: CR2-related condition; CR2-related disorders.
Immunodeficiency, common variable, 7. Identifiers: Orphanet 1572, Orphanet 696894, MedGen C3542922, MONDO:0013862, OMIM 614699.

Allele frequency attached by ClinVar (database versions not stated): gnomAD exomes 0.00009 and 0.00027; ExAC 0.00031; gnomAD 0.00107 and 0.00116; TOPMed 0.00107; ESP Exome Variant Server 0.00115; 1000 Genomes Project 0.00200; 1000 Genomes Project 30x 0.00203.
gnomAD v4.1: 309 of 1,613,986 alleles (0.019%); highest among the groups gnomAD compares: African/African-American, 0.37%; no homozygotes.

Submissions (4):

Labcorp Genetics (formerly Invitae), Labcorp
Classification: Likely benign for Immunodeficiency, common variable, 7. Last evaluated: 2025-12-03. Review status: criteria provided, single submitter. Criteria: Invitae Variant Classification Sherloc (09022015). Collection method: clinical testing. Allele origin: germline.

Blueprint Genetics
Classification: Uncertain significance. Last evaluated: 2024-09-04. Review status: criteria provided, single submitter. Criteria: ACMG Guidelines, 2015. Collection method: clinical testing. Allele origin: germline.

New York Genome Center
Classification: Uncertain significance for Immunodeficiency, common variable, 7. Last evaluated: 2021-03-04. Review status: criteria provided, single submitter. Criteria: NYGC Assertion Criteria 2020. Collection method: clinical testing. Allele origin: inherited. Observed: 1 heterozygote. Study: CSER-NYCKidSeq.

PreventionGenetics, part of Exact Sciences
Classification: Likely benign for CR2-related condition. Last evaluated: 2023-12-22. Review status: no assertion criteria provided. Collection method: clinical testing. Allele origin: germline. Not counted in ClinVar's aggregate classification.
Comment: This variant is classified as likely benign based on ACMG/AMP sequence variant interpretation guidelines (Richards et al. 2015 PMID: 25741868, with internal and published modifications).

NM_001006658.3(CR2):c.1140G>A (p.Met380Ile)

Genes: CR2 (complement C3d receptor 2; plus strand), LOC126805994 (BRD4-independent group 4 enhancer GRCh37_chr1:207642622-207643821; plus strand). Cytogenetic location: 1q32.2.
Variant type: single nucleotide variant.
Coding change: c.1140G>A on transcript NM_001006658.3 (MANE Select); coding-DNA position 1140, G replaced by A.
Protein change: p.Met380Ile; replaces methionine 380 with isoleucine.
Molecular consequence: missense variant.
Genome position (GRCh38, 1-based): chr1:207,470,017, G>A. VCF-style: chr1-207470017-G-A. GRCh37 (hg19) VCF-style: chr1-207643362-G-A.
Other names: c.1140G>A, p.Met380Ile (NM_001877.5); short protein forms M380I.
Identifiers: ClinVar variation 719458 (VCV000719458.15), dbSNP rs147638245, ClinGen allele CA1368636.